The following is an entry in ClinVar:

NM_001854.4(COL11A1):c.194A>G (p.Lys65Arg)

Gene: COL11A1 (collagen type XI alpha 1 chain; minus strand). Cytogenetic location: 1p21.1.
Variant type: single nucleotide variant.
Coding change: c.194A>G on transcript NM_001854.4 (MANE Select); coding-DNA position 194, A replaced by G.
Protein change: p.Lys65Arg; replaces lysine 65 with arginine.
Molecular consequence: missense variant. On other transcripts: non-coding transcript variant (1).
Genome position (GRCh38, 1-based): chr1:103,082,885, T>C on the plus strand (A>G on the coding strand, the complement: COL11A1 is on the minus strand). VCF-style: chr1-103082885-T-C. GRCh37 (hg19) VCF-style: chr1-103548441-T-C.
Other names: c.194A>G, p.Lys65Arg (NM_001190709.2, NM_080629.3, NM_080630.4); short protein forms K65R.
Identifiers: ClinVar variation 1313586 (VCV001313586.5), dbSNP rs200396868, ClinGen allele CA975531.

ClinVar aggregate classification (germline): Conflicting classifications of pathogenicity. Review status: criteria provided, conflicting classifications (1 of 4 stars). 3 submissions from 3 submitters: Uncertain significance (1); Benign (1); Likely benign (1). Last evaluated 2024-06-09.

Allele frequency attached by ClinVar (database versions not stated): gnomAD 0.00002 and 0.00003; gnomAD exomes 0.00003 and 0.00004; ExAC 0.00005; 1000 Genomes Project 30x 0.00016; 1000 Genomes Project 0.00020.
gnomAD v4.1: 47 of 1,613,790 alleles (0.0029%); highest among the groups gnomAD compares: Non-Finnish European, 0.00068%; no homozygotes.

Submissions (3):

Labcorp Genetics (formerly Invitae), Labcorp
Classification: Benign. Last evaluated: 2024-06-09. Review status: criteria provided, single submitter. Criteria: Invitae Variant Classification Sherloc (09022015). Collection method: clinical testing. Allele origin: germline.

Blueprint Genetics
Classification: Likely benign. Last evaluated: 2022-12-13. Review status: criteria provided, single submitter. Criteria: ACMG Guidelines, 2015. Collection method: clinical testing. Allele origin: germline.

GeneDx
Classification: Uncertain significance. Last evaluated: 2020-10-21. Review status: criteria provided, single submitter. Criteria: GeneDx Variant Classification Process June 2021. Collection method: clinical testing. Allele origin: germline. Affected: yes.
Comment: Has not been previously published as pathogenic or benign to our knowledge; In silico analysis supports that this missense variant does not alter protein structure/function; Not located in the triple helical region, where the majority of pathogenic missense variants occur (Stenson et al., 2014)